The following is an entry in ClinVar:

ClinVar aggregate classification (germline): Pathogenic/Likely pathogenic. Review status: criteria provided, multiple submitters, no conflicts (2 of 4 stars). 2 submissions from 2 submitters: Pathogenic (1); Likely pathogenic (1). Last evaluated 2026-01-04.

Conditions:
CACNA1F-related disorder. Also called: CACNA1F-related condition.

Submissions (2):

Labcorp Genetics (formerly Invitae), Labcorp
Classification: Pathogenic. Last evaluated: 2026-01-04. Review status: criteria provided, single submitter. Criteria: Invitae Variant Classification Sherloc (09022015). Collection method: clinical testing. Allele origin: germline.
Comment: This sequence change creates a premature translational stop signal (p.Gly1087Alafs*42) in the CACNA1F gene. It is expected to result in an absent or disrupted protein product. Loss-of-function variants in CACNA1F are known to be pathogenic (PMID: 9662399, 11281458, 17525176, 22194652, 24124559, 26992781). This variant is not present in population databases (gnomAD no frequency). This variant has not been reported in the literature in individuals affected with CACNA1F-related conditions. ClinVar contains an entry for this variant (Variation ID: 1422805). For these reasons, this variant has been classified as Pathogenic.

Blueprint Genetics
Classification: Likely pathogenic for CACNA1F-related disorders. Last evaluated: 2021-03-15. Review status: criteria provided, single submitter. Criteria: ACMG Guidelines, 2015. Collection method: clinical testing. Allele origin: germline. Affected: yes. Observed: 1 variant allele.

Literature cited by the submitters: PubMed 9662399 (cited by Labcorp Genetics (formerly Invitae), Labcorp); PubMed 11281458 (cited by Labcorp Genetics (formerly Invitae), Labcorp); PubMed 17525176 (cited by Labcorp Genetics (formerly Invitae), Labcorp); PubMed 22194652 (cited by Labcorp Genetics (formerly Invitae), Labcorp); PubMed 24124559 (cited by Labcorp Genetics (formerly Invitae), Labcorp); PubMed 26992781 (cited by Labcorp Genetics (formerly Invitae), Labcorp).

NM_001256789.3(CACNA1F):c.3225del (p.Gly1076fs)

Gene: CACNA1F (calcium voltage-gated channel subunit alpha1 F; minus strand). Cytogenetic location: Xp11.23.
Variant type: Deletion.
Coding change: c.3225del on transcript NM_001256789.3 (MANE Select); coding-DNA position 3225, one base deleted (A; older notation c.3225delA).
Protein change: p.Gly1076fs; shifts the reading frame from glycine 1076.
Molecular consequence: frameshift variant.
Genome position (GRCh38, 1-based): chrX:49,216,393, T deleted on the plus strand (A on the coding strand, the reverse complement: CACNA1F is on the minus strand); the first of 2 consecutive T bases (chrX:49,216,393-49,216,394); deleting either gives the same sequence. VCF-style (leftmost placement, unchanged base first): chrX-49216392-CT-C. GRCh37 (hg19) VCF-style: chrX-49072852-CT-C.
Other names: c.3063del, p.Gly1022fs (NM_001256790.3); c.3258del, p.Gly1087fs (NM_005183.4); short protein forms G1076fs, G1022fs, G1087fs.
Identifiers: ClinVar variation 1422805 (VCV001422805.7), dbSNP rs2147904608, ClinGen allele CA2573158897.
Genomic context (GRCh38, chrX:49,216,392, plus strand): 5'-GCAGAGACCCCTGCCTCATCCCCTGATAAACCCAGGGCCCTGTCCCTCACGCAGGCCAGC[CT>C]TCAAAGGTGGAGACAGTGAACAGGGCCATCATGGCTGAAAGGACATTGTCAAAGTTGAAA-3'